The following is an entry in ClinVar:

NM_018062.4(FANCL):c.20G>A (p.Ser7Asn)

Gene: FANCL (FA complementation group L; minus strand). Cytogenetic location: 2p16.1.
Variant type: single nucleotide variant.
Coding change: c.20G>A on transcript NM_018062.4 (MANE Select); coding-DNA position 20, G replaced by A.
Protein change: p.Ser7Asn; replaces serine 7 with asparagine.
Molecular consequence: missense variant.
Genome position (GRCh38, 1-based): chr2:58,241,294, C>T on the plus strand (G>A on the coding strand, the complement: FANCL is on the minus strand). VCF-style: chr2-58241294-C-T. GRCh37 (hg19) VCF-style: chr2-58468429-C-T.
Other names: c.20G>A, p.Ser7Asn (NM_001114636.2, NM_001374615.1, NM_001410792.1); short protein forms S7N.
Identifiers: ClinVar variation 940221 (VCV000940221.11), dbSNP rs376224867, ClinGen allele CA1670845.

ClinVar aggregate classification (germline): Uncertain significance. Review status: criteria provided, multiple submitters, no conflicts (2 of 4 stars). 2 submissions from 2 submitters: Uncertain significance (2). Last evaluated 2024-10-17.

Conditions:
Fanconi anemia complementation group L (FANCL). Also called: FANCL-Related Fanconi Anemia. Identifiers: Orphanet 84, MedGen C3469528, MONDO:0013566, OMIM 614083.
Fanconi anemia (FA). Also called: Fanconi's anemia. Identifiers: Orphanet 84, MedGen C0015625, MeSH D005199, MONDO:0019391.

Allele frequency attached by ClinVar (database versions not stated): TOPMed 0.00006.

Submissions (2):

Labcorp Genetics (formerly Invitae), Labcorp
Classification: Uncertain significance for Fanconi anemia. Last evaluated: 2024-10-17. Review status: criteria provided, single submitter. Criteria: Invitae Variant Classification Sherloc (09022015). Collection method: clinical testing. Allele origin: germline.
Comment: This sequence change replaces serine, which is neutral and polar, with asparagine, which is neutral and polar, at codon 7 of the FANCL protein (p.Ser7Asn). This variant is present in population databases (rs376224867, gnomAD 0.03%). This variant has not been reported in the literature in individuals affected with FANCL-related conditions. ClinVar contains an entry for this variant (Variation ID: 940221). An algorithm developed to predict the effect of missense changes on protein structure and function outputs the following: PolyPhen-2: "Benign". The asparagine amino acid residue is found in multiple mammalian species, which suggests that this missense change does not adversely affect protein function. In summary, the available evidence is currently insufficient to determine the role of this variant in disease. Therefore, it has been classified as a Variant of Uncertain Significance.

Fulgent Genetics
Classification: Uncertain significance for Fanconi anemia complementation group L. Last evaluated: 2021-09-01. Review status: criteria provided, single submitter. Criteria: ACMG Guidelines, 2015. Collection method: clinical testing. Allele origin: unknown.